The following is an entry in ClinVar:

NM_001278064.2(GRM1):c.1691C>T (p.Ala564Val)

Gene: GRM1 (glutamate metabotropic receptor 1; plus strand). Cytogenetic location: 6q24.3.
Variant type: single nucleotide variant.
Coding change: c.1691C>T on transcript NM_001278064.2 (MANE Select); coding-DNA position 1691, C replaced by T.
Protein change: p.Ala564Val; replaces alanine 564 with valine.
Molecular consequence: missense variant.
Genome position (GRCh38, 1-based): chr6:146,386,978, C>T. VCF-style: chr6-146386978-C-T. GRCh37 (hg19) VCF-style: chr6-146708114-C-T.
Other names: c.1691C>T, p.Ala564Val (NM_001278065.2, NM_001278066.1, NM_001278067.1); short protein forms A564V.
Identifiers: ClinVar variation 3393631 (VCV003393631.1).

ClinVar aggregate classification (germline): Uncertain significance (1 of 4 stars; one submission).

gnomAD v4.1: 16 of 1,612,926 alleles (0.00099%); highest among the groups gnomAD compares: African/African-American, 0.0013%; no homozygotes.

Submission:

GeneDx
Classification: Uncertain significance. Last evaluated: 2024-07-01. Review status: criteria provided, single submitter. Criteria: GeneDx Variant Classification Process June 2021. Collection method: clinical testing. Allele origin: germline. Affected: yes.
Comment: Not observed at significant frequency in large population cohorts (gnomAD); In silico analysis supports that this missense variant has a deleterious effect on protein structure/function; Has not been previously published as pathogenic or benign to our knowledge